The following is an entry in ClinVar:

ClinVar aggregate classification (germline): Likely benign. Review status: criteria provided, multiple submitters, no conflicts (2 of 4 stars). 4 submissions from 4 submitters: Likely benign (3). 1 of the submissions does not count toward it. Last evaluated 2026-03-01.

Conditions:
MTOR-related disorder. Also called: MTOR-related condition.

Allele frequency attached by ClinVar (database versions not stated): ExAC 0.00002; gnomAD exomes 0.00004 and 0.00005; TOPMed 0.00005; gnomAD 0.00007 and 0.00008; ESP Exome Variant Server 0.00008.

Submissions (4):

CeGaT Center for Human Genetics Tuebingen
Classification: Likely benign. Last evaluated: 2026-03-01. Review status: criteria provided, single submitter. Criteria: CeGaT Center For Human Genetics Tuebingen Variant Classification Criteria Version 2. Collection method: clinical testing. Allele origin: germline. Affected: yes. Observed: 3 variant alleles.
Comment: MTOR: BP4, BP7

Labcorp Genetics (formerly Invitae), Labcorp
Classification: Likely benign. Last evaluated: 2026-01-19. Review status: criteria provided, single submitter. Criteria: Invitae Variant Classification Sherloc (09022015). Collection method: clinical testing. Allele origin: germline.

Blueprint Genetics
Classification: Likely benign. Last evaluated: 2024-10-03. Review status: criteria provided, single submitter. Criteria: ACMG Guidelines, 2015. Collection method: clinical testing. Allele origin: germline.

PreventionGenetics, part of Exact Sciences
Classification: Likely benign for MTOR-related condition. Last evaluated: 2019-08-27. Review status: no assertion criteria provided. Collection method: clinical testing. Allele origin: germline. Not counted in ClinVar's aggregate classification.
Comment: This variant is classified as likely benign based on ACMG/AMP sequence variant interpretation guidelines (Richards et al. 2015 PMID: 25741868, with internal and published modifications).

NM_004958.4(MTOR):c.1653C>G (p.Pro551=)

Gene: MTOR (mechanistic target of rapamycin kinase; minus strand). Cytogenetic location: 1p36.22.
Variant type: single nucleotide variant.
Coding change: c.1653C>G on transcript NM_004958.4 (MANE Select); coding-DNA position 1653, C replaced by G.
Protein change: p.Pro551=; no amino-acid change (proline 551 retained).
Molecular consequence: synonymous variant.
Genome position (GRCh38, 1-based): chr1:11,240,436, G>C on the plus strand (C>G on the coding strand, the complement: MTOR is on the minus strand). VCF-style: chr1-11240436-G-C. GRCh37 (hg19) VCF-style: chr1-11300493-G-C.
Other names: c.1653C>G, p.Pro551= (NM_001386500.1); c.405C>G, p.Pro135= (NM_001386501.1); c.1653C>G (NM_004958.3).
Identifiers: ClinVar variation 1090019 (VCV001090019.34), dbSNP rs372084884, ClinGen allele CA590667.
Genomic context (GRCh38, chr1:11,240,436, plus strand): 5'-CGTGAGGCCAGGAGAGGCCAGCTGATGGGCCAGGCCCTTGGGCATGCCTGGGTGGCGAAG[G>C]GGTTTGTGCATAAGGACCAGGGACAGCATTTTCAGTAGCCCATCTTGAATGTCCTTCTTT-3'
Protein context (NP_004949.1, residues 541-561): KMLSLVLMHK[Pro551=]LRHPGMPKGL